The following is an entry in ClinVar:

ClinVar aggregate classification (germline): Uncertain significance. Review status: criteria provided, multiple submitters, no conflicts (2 of 4 stars). 2 submissions from 2 submitters: Uncertain significance (2). Last evaluated 2025-10-30.

Allele frequency attached by ClinVar (database versions not stated): gnomAD exomes 0.00004 and 0.00002; TOPMed 0.00032; ExAC 0.00003; ESP Exome Variant Server 0.00008; 1000 Genomes Project 30x 0.00016; 1000 Genomes Project 0.00020; gnomAD 0.00013 and 0.00014.
gnomAD v4.1: 54 of 1,614,202 alleles (0.0033%); highest among the groups gnomAD compares: African/African-American, 0.04%; no homozygotes.

Submissions (2):

Ambry Genetics
Classification: Uncertain significance. Last evaluated: 2025-10-30. Review status: criteria provided, single submitter. Criteria: Ambry Variant Classification Scheme 2023. Collection method: clinical testing. Allele origin: germline.

Labcorp Genetics (formerly Invitae), Labcorp
Classification: Uncertain significance. Last evaluated: 2023-12-10. Review status: criteria provided, single submitter. Criteria: Invitae Variant Classification Sherloc (09022015). Collection method: clinical testing. Allele origin: germline.
Comment: This sequence change replaces alanine, which is neutral and non-polar, with threonine, which is neutral and polar, at codon 1369 of the CEP250 protein (p.Ala1369Thr). This variant is present in population databases (rs367939150, gnomAD 0.03%). This variant has not been reported in the literature in individuals affected with CEP250-related conditions. ClinVar contains an entry for this variant (Variation ID: 862922). An algorithm developed to predict the effect of missense changes on protein structure and function (PolyPhen-2) suggests that this variant is likely to be disruptive. In summary, the available evidence is currently insufficient to determine the role of this variant in disease. Therefore, it has been classified as a Variant of Uncertain Significance.

NM_007186.6(CEP250):c.4105G>A (p.Ala1369Thr)

Gene: CEP250 (centrosomal protein 250; plus strand). Cytogenetic location: 20q11.22.
Variant type: single nucleotide variant.
Coding change: c.4105G>A on transcript NM_007186.6 (MANE Select); coding-DNA position 4105, G replaced by A.
Protein change: p.Ala1369Thr; replaces alanine 1369 with threonine.
Molecular consequence: missense variant.
Genome position (GRCh38, 1-based): chr20:35,502,474, G>A. VCF-style: chr20-35502474-G-A. GRCh37 (hg19) VCF-style: chr20-34090302-G-A.
Other names: c.4105G>A (NM_007186.3); c.2209G>A, p.Ala737Thr (NM_001318219.1); short protein forms A1369T, A737T.
Identifiers: ClinVar variation 862922 (VCV000862922.9), dbSNP rs367939150, ClinGen allele CA9833664.
Genomic context (GRCh38, chr20:35,502,474, plus strand): 5'-GCCAAGGAGAACCTGACAGCCCAGGTGGAACACCTGCAAGCAGCTGTCGTAGAAGCCAGG[G>A]CTCAGGCAAGTGCTGCTGGCATCCTGGAAGAAGACCTGAGAACGGCTCGCTCAGCACTGA-3'
Protein context (NP_009117.2, residues 1359-1379): HLQAAVVEAR[Ala1369Thr]QASAAGILEE